The following is an entry in ClinVar:

ClinVar aggregate classification (germline): Uncertain significance (1 of 4 stars; one submission).

Conditions:
Wiedemann-Steiner syndrome (WDSTS). Also called: Growth deficiency and mental retardation with facial dysmorphism. Identifiers: Orphanet 319182, MedGen C1854630, MONDO:0011518, OMIM 605130.

Submission:

Centre for Mendelian Genomics, University Medical Centre Ljubljana
Classification: Uncertain significance for Wiedemann-Steiner syndrome. Last evaluated: 2020-03-14. Review status: criteria provided, single submitter. Criteria: ACMG Guidelines, 2015. Collection method: clinical testing. Allele origin: unknown. Affected: yes.
Comment: This variant was classified as: Uncertain significance. The available evidence on this variant's pathogenicity is insufficient or conflicting. The following ACMG criteria were applied in classifying this variant: PM2.

NM_001197104.2(KMT2A):c.4969T>G (p.Ser1657Ala)

Gene: KMT2A (lysine methyltransferase 2A; plus strand). Cytogenetic location: 11q23.3.
Variant type: single nucleotide variant.
Coding change: c.4969T>G on transcript NM_001197104.2 (MANE Select); coding-DNA position 4969, T replaced by G.
Protein change: p.Ser1657Ala; replaces serine 1657 with alanine.
Molecular consequence: missense variant.
Genome position (GRCh38, 1-based): chr11:118,491,893, T>G. VCF-style: chr11-118491893-T-G. GRCh37 (hg19) VCF-style: chr11-118362608-T-G.
Other names: c.4960T>G, p.Ser1654Ala (NM_005933.4); short protein forms S1657A, S1654A.
Identifiers: ClinVar variation 930286 (VCV000930286.3), dbSNP rs1950329805, ClinGen allele CA382836299.
Genomic context (GRCh38, chr11:118,491,893, plus strand): 5'-CTGGCCCTTGAAAAAGAGCTGCAGATTTCTCTGAAGCAAGTTCTGACAGCTTTGTTGAAT[T>G]CTCGGACTACCAGCCATTTGCTACGCTACCGGCAGGTAGGCCAAGTCTCATTTTTTTCTG-3'
Protein context (NP_001184033.1, residues 1647-1667): LKQVLTALLN[Ser1657Ala]RTTSHLLRYR